The following is an entry in ClinVar:

ClinVar aggregate classification (germline): Uncertain significance (1 of 4 stars; one submission).

Submission:

GeneDx
Classification: Uncertain significance. Last evaluated: 2020-02-24. Review status: criteria provided, single submitter. Criteria: GeneDx Variant Classification Process June 2021. Collection method: clinical testing. Allele origin: germline. Affected: yes.
Comment: Not observed in large population cohorts (Lek et al., 2016); In silico analysis supports that this missense variant has a deleterious effect on protein structure/function; Has not been previously published as pathogenic or benign to our knowledge

NM_001256071.3(RNF213):c.2189T>G (p.Phe730Cys)

Gene: RNF213 (ring finger protein 213; plus strand). Cytogenetic location: 17q25.3.
Variant type: single nucleotide variant.
Coding change: c.2189T>G on transcript NM_001256071.3 (MANE Select); coding-DNA position 2189, T replaced by G.
Protein change: p.Phe730Cys; replaces phenylalanine 730 with cysteine.
Molecular consequence: missense variant.
Genome position (GRCh38, 1-based): chr17:80,298,497, T>G. VCF-style: chr17-80298497-T-G. GRCh37 (hg19) VCF-style: chr17-78272297-T-G.
Other names: c.2189T>G, p.Phe730Cys (NM_020954.4); short protein forms F730C.
Identifiers: ClinVar variation 1320356 (VCV001320356.2), dbSNP rs2143453603, ClinGen allele CA401374320.